The following is an entry in ClinVar:

ClinVar aggregate classification (germline): Uncertain significance. Review status: criteria provided, multiple submitters, no conflicts (2 of 4 stars). 2 submissions from 2 submitters: Uncertain significance (2). Last evaluated 2025-04-03.

gnomAD v4.1: 9 of 1,613,592 alleles (0.00056%); highest among the groups gnomAD compares: Admixed American, 0.0033%; no homozygotes.

Submissions (2):

Ambry Genetics
Classification: Uncertain significance. Last evaluated: 2025-04-03. Review status: criteria provided, single submitter. Criteria: Ambry Variant Classification Scheme 2023. Collection method: clinical testing. Allele origin: germline.

Labcorp Genetics (formerly Invitae), Labcorp
Classification: Uncertain significance. Last evaluated: 2024-10-30. Review status: criteria provided, single submitter. Criteria: Invitae Variant Classification Sherloc (09022015). Collection method: clinical testing. Allele origin: germline.
Comment: This sequence change replaces isoleucine, which is neutral and non-polar, with phenylalanine, which is neutral and non-polar, at codon 744 of the NPAT protein (p.Ile744Phe). This variant is present in population databases (rs184005577, gnomAD 0.003%). This variant has not been reported in the literature in individuals affected with NPAT-related conditions. An algorithm developed to predict the effect of missense changes on protein structure and function (PolyPhen-2) suggests that this variant is likely to be disruptive. In summary, the available evidence is currently insufficient to determine the role of this variant in disease. Therefore, it has been classified as a Variant of Uncertain Significance.

NM_002519.3(NPAT):c.2230A>T (p.Ile744Phe)

Gene: NPAT (nuclear protein, coactivator of histone transcription; minus strand). Cytogenetic location: 11q22.3.
Variant type: single nucleotide variant.
Coding change: c.2230A>T on transcript NM_002519.3 (MANE Select); coding-DNA position 2230, A replaced by T.
Protein change: p.Ile744Phe; replaces isoleucine 744 with phenylalanine.
Molecular consequence: missense variant.
Genome position (GRCh38, 1-based): chr11:108,172,754, T>A on the plus strand (A>T on the coding strand, the complement: NPAT is on the minus strand). VCF-style: chr11-108172754-T-A. GRCh37 (hg19) VCF-style: chr11-108043481-T-A.
Other names: c.2230A>T (NM_002519.2); c.2230A>T, p.Ile744Phe (NM_001321307.1); short protein forms I744F.
Identifiers: ClinVar variation 3616546 (VCV003616546.3).
Genomic context (GRCh38, chr11:108,172,754, plus strand): 5'-TAATACTAGAAACAGCACTGGTAAGTTCAGTATCTGAGGAAACAAATGGATCATCACTAA[T>A]GATAACTTTGAGAGAGACGATATTTGATGCATCTATCTCTGCTGAGTTGTTGCTAGAAGG-3'
Protein context (NP_002510.2, residues 734-754): ASNIVSLKVI[Ile744Phe]SDDPFVSSDT